The following is an entry in ClinVar:

ClinVar aggregate classification (germline): drug response (0 of 4 stars; one submission).

Conditions:
Corticosteroids response. Also called: Corticosteroid response.

Submission:

Genetic Testing Lab, Ashok and Rita Patel Institute of Integrated Study and Research in Biotechnology and Allied Sciences
Classification: drug response for Corticosteroid response. Last evaluated: 2022-05-20. Review status: no assertion criteria provided. Collection method: research. Allele origin: somatic. Affected: yes. Observed: 37 variant alleles.
Comment: Depending upon patients response to standard corticosteroids therapy, they were classified to be either Steroid resistance(SRNS)(poor metabolizer) or steroid sensitive(SSNS)(likley responsive)

NM_004924.6(ACTN4):c.161A>G (p.Lys54Arg)

Gene: ACTN4 (actinin alpha 4; plus strand). Cytogenetic location: 19q13.2.
Variant type: single nucleotide variant.
Coding change: c.161A>G on transcript NM_004924.6 (MANE Select); coding-DNA position 161, A replaced by G.
Protein change: p.Lys54Arg; replaces lysine 54 with arginine.
Molecular consequence: missense variant.
Genome position (GRCh38, 1-based): chr19:38,647,906, A>G. VCF-style: chr19-38647906-A-G. GRCh37 (hg19) VCF-style: chr19-39138546-A-G.
Other names: c.161A>G, p.Lys54Arg (NM_001322033.2); short protein forms K54R.
Identifiers: ClinVar variation 1698686 (VCV001698686.2), dbSNP rs2144806261, ClinGen allele CA405713838.